The following is an entry in ClinVar:

ClinVar aggregate classification (germline): Uncertain significance (1 of 4 stars; one submission).

Conditions:
Inborn genetic diseases. Identifiers: MedGen C0950123, MeSH D030342.

Submission:

Ambry Genetics
Classification: Uncertain significance for Inborn genetic diseases. Last evaluated: 2020-12-31. Review status: criteria provided, single submitter. Criteria: Ambry Variant Classification Scheme 2023. Collection method: clinical testing. Allele origin: germline.
Comment: The c.2630C>G (p.T877R) alteration is located in exon 19 (coding exon 19) of the LAMA1 gene. This alteration results from a C to G substitution at nucleotide position 2630, causing the threonine (T) at amino acid position 877 to be replaced by an arginine (R). The in silico prediction for the p.T877R alteration is inconclusive. Based on insufficient or conflicting evidence, the clinical significance of this alteration remains unclear.

NM_005559.4(LAMA1):c.2630C>G (p.Thr877Arg)

Gene: LAMA1 (laminin subunit alpha 1; minus strand). Cytogenetic location: 18p11.31.
Variant type: single nucleotide variant.
Coding change: c.2630C>G on transcript NM_005559.4 (MANE Select); coding-DNA position 2630, C replaced by G.
Protein change: p.Thr877Arg; replaces threonine 877 with arginine.
Molecular consequence: missense variant.
Genome position (GRCh38, 1-based): chr18:7,023,235, G>C on the plus strand (C>G on the coding strand, the complement: LAMA1 is on the minus strand). VCF-style: chr18-7023235-G-C. GRCh37 (hg19) VCF-style: chr18-7023234-G-C.
Other names: short protein forms T877R.
Identifiers: ClinVar variation 2228561 (VCV002228561.2), dbSNP rs2510078676, ClinGen allele CA401851726.